The following is an entry in ClinVar:

ClinVar aggregate classification (germline): Pathogenic (1 of 4 stars; one submission).

Conditions:
Hyper-IgM syndrome type 1. Also called: X-linked hyper-IgM syndrome; Immunodeficiency, X-linked, with hyper-IgM; CD40 Ligand Deficiency; Hyper-IgM Immunodeficiency Syndrome, Type 1. Identifiers: Orphanet 101088, MedGen C0398689, MONDO:0010626, OMIM 308230.

Submission:

Labcorp Genetics (formerly Invitae), Labcorp
Classification: Pathogenic for Hyper-IgM syndrome type 1. Last evaluated: 2023-03-27. Review status: criteria provided, single submitter. Criteria: Invitae Variant Classification Sherloc (09022015). Collection method: clinical testing. Allele origin: germline.
Comment: This sequence change creates a premature translational stop signal (p.Gln221*) in the CD40LG gene. While this is not anticipated to result in nonsense mediated decay, it is expected to disrupt the last 41 amino acid(s) of the CD40LG protein. This variant is not present in population databases (gnomAD no frequency). This premature translational stop signal has been observed in individuals with clinical features of hyper IgM syndrome (PMID: 7906987; Invitae). ClinVar contains an entry for this variant (Variation ID: 660932). This variant disrupts the p.Thr254 amino acid residue in CD40LG. Other variant(s) that disrupt this residue have been determined to be pathogenic (PMID: 8889581, 10484640, 25541662). This suggests that this residue is clinically significant, and that variants that disrupt this residue are likely to be disease-causing. For these reasons, this variant has been classified as Pathogenic.

Literature cited by the submitters: PubMed 7906987; PubMed 8889581; PubMed 10484640; PubMed 25541662.

NM_000074.3(CD40LG):c.661C>T (p.Gln221Ter)

Gene: CD40LG (CD40 ligand; plus strand). Cytogenetic location: Xq26.3.
Variant type: single nucleotide variant.
Coding change: c.661C>T on transcript NM_000074.3 (MANE Select); coding-DNA position 661, C replaced by T.
Protein change: p.Gln221Ter; replaces glutamine 221 with a stop codon.
Molecular consequence: nonsense.
Genome position (GRCh38, 1-based): chrX:136,659,290, C>T. VCF-style: chrX-136659290-C-T. GRCh37 (hg19) VCF-style: chrX-135741449-C-T.
Other names: short protein forms Q221*.
Identifiers: ClinVar variation 660932 (VCV000660932.9), dbSNP rs1603321834, ClinGen allele CA414756369.